The following is an entry in ClinVar:

ClinVar aggregate classification (germline): Uncertain significance. Review status: criteria provided, single submitter (1 of 4 stars). 2 submissions from 2 submitters: Uncertain significance (1). 1 of the submissions does not count toward it. Last evaluated 2025-11-01.

Conditions:
Duchenne muscular dystrophy (DMD). Also called: MUSCULAR DYSTROPHY, PSEUDOHYPERTROPHIC PROGRESSIVE, DUCHENNE TYPE; Duchenne Muscular Dystrophy (DMD). Identifiers: Orphanet 98896, MedGen C0013264, MONDO:0010679, OMIM 310200.
Dystrophin deficiency.
Becker muscular dystrophy (BMD). Also called: MUSCULAR DYSTROPHY, PSEUDOHYPERTROPHIC PROGRESSIVE, BECKER TYPE; Becker Muscular Dystrophy (BMD). Identifiers: Orphanet 98895, MedGen C0917713, MONDO:0010311, OMIM 300376.
Cardiomyopathy (CMYO). Also called: Cardiomyopathies. Identifiers: Orphanet 167848, MedGen C0878544, MONDO:0004994, HP:0001638. Inheritance: Various modes of inheritance.

Allele frequency attached by ClinVar (database versions not stated): gnomAD exomes below 0.00001.
gnomAD v4.1: 2 of 1,210,317 alleles (0.00017%); highest among the groups gnomAD compares: Non-Finnish European, 0.00011%; no homozygotes.

Submissions (2):

Labcorp Genetics (formerly Invitae), Labcorp
Classification: Uncertain significance for Duchenne muscular dystrophy. Last evaluated: 2025-11-01. Review status: criteria provided, single submitter. Criteria: Invitae Variant Classification Sherloc (09022015). Collection method: clinical testing. Allele origin: germline.
Comment: This sequence change replaces threonine, which is neutral and polar, with methionine, which is neutral and non-polar, at codon 3610 of the DMD protein (p.Thr3610Met). This variant is not present in population databases (gnomAD no frequency). This variant has not been reported in the literature in individuals affected with DMD-related conditions. ClinVar contains an entry for this variant (Variation ID: 951048). Invitae Evidence Modeling of protein sequence and biophysical properties (such as structural, functional, and spatial information, amino acid conservation, physicochemical variation, residue mobility, and thermodynamic stability) indicates that this missense variant is not expected to disrupt DMD protein function with a negative predictive value of 95%. In summary, the available evidence is currently insufficient to determine the role of this variant in disease. Therefore, it has been classified as a Variant of Uncertain Significance.

Natera, Inc.
Classification: Uncertain significance for Becker muscular dystrophy; Cardiomyopathy; Duchenne muscular dystrophy; Dystrophin deficiency. Last evaluated: 2019-07-16. Review status: no assertion criteria provided. Collection method: clinical testing. Allele origin: germline. Not counted in ClinVar's aggregate classification.

NM_004006.3(DMD):c.10829C>T (p.Thr3610Met)

Gene: DMD (dystrophin; minus strand). Cytogenetic location: Xp21.2.
Variant type: single nucleotide variant.
Coding change: c.10829C>T on transcript NM_004006.3 (MANE Select); coding-DNA position 10829, C replaced by T.
Protein change: p.Thr3610Met; replaces threonine 3610 with methionine.
Molecular consequence: missense variant.
Genome position (GRCh38, 1-based): chrX:31,146,383, G>A on the plus strand (C>T on the coding strand, the complement: DMD is on the minus strand). VCF-style: chrX-31146383-G-A. GRCh37 (hg19) VCF-style: chrX-31164500-G-A.
Other names: c.10805C>T, p.Thr3602Met (NM_000109.4); c.10817C>T, p.Thr3606Met (NM_004009.3); c.10460C>T, p.Thr3487Met (NM_004010.3); c.6806C>T, p.Thr2269Met (NM_004011.4); c.6797C>T, p.Thr2266Met (NM_004012.4); c.3449C>T, p.Thr1150Met (NM_004013.3, NM_004021.3); c.2642C>T, p.Thr881Met (NM_004014.3); c.1625C>T, p.Thr542Met (NM_004015.3, NM_004016.3); and 3 more; short protein forms T1040M, T1137M, T1150M, T529M, T881M, T2266M, T2269M, T3602M.
Identifiers: ClinVar variation 951048 (VCV000951048.10), dbSNP rs2036699076, ClinGen allele CA412648895.
Genomic context (GRCh38, chrX:31,146,383, plus strand): 5'-CGGAGCAGCATAGGCTGACTGCTGTCGGACCTCTGTAGAGAGGTAGAAGGAGAGGACACC[G>A]TTGTGCCATTCACTTTGGCCTCTGCCTGGGGCTAAGTCATCCAAAAGAAAACAGAATTAC-3'
Protein context (NP_003997.2, residues 3600-3620): PQAEAKVNGT[Thr3610Met]VSSPSTSLQR